The following is an entry in ClinVar:

ClinVar aggregate classification (germline): Likely pathogenic (1 of 4 stars; one submission).

Submission:

Dasa
Classification: Likely pathogenic. Last evaluated: 2024-12-26. Review status: criteria provided, single submitter. Criteria: DASA Assertion Criteria. Collection method: clinical testing. Allele origin: germline.
Comment: NM_181552.4(CUX1):c.2353A>T (p.Lys785*) introduces a premature termination codon predicted to result in loss of normal protein function. Loss-of-function is an established mechanism of disease for this gene. The variant is present at low frequency in population datasets. Based on the available data, this variant is classified as likely pathogenic.

NM_181552.4(CUX1):c.2353A>T (p.Lys785Ter)

Gene: CUX1 (cut like homeobox 1; plus strand). Cytogenetic location: 7q22.1.
Variant type: single nucleotide variant.
Coding change: c.2353A>T on transcript NM_181552.4 (MANE Select); coding-DNA position 2353, A replaced by T.
Protein change: p.Lys785Ter; replaces lysine 785 with a stop codon.
Molecular consequence: nonsense. On other transcripts: intron variant (5).
Genome position (GRCh38, 1-based): chr7:102,201,650, A>T. VCF-style: chr7-102201650-A-T. GRCh37 (hg19) VCF-style: chr7-101844930-A-T.
Other names: c.2386A>T, p.Lys796Ter (NM_001202543.2); c.1255+6047A>T (NM_001913.5); c.1249+6047A>T (NM_181500.4); c.1117+6047A>T (NM_001202545.3); c.1207+6047A>T (NM_001202544.3); c.1138+6047A>T (NM_001202546.3); short protein forms K785*, K796*.
Identifiers: ClinVar variation 4851781 (VCV004851781.1).